The following is an entry in ClinVar:

NM_000257.4(MYH7):c.2792A>G (p.Glu931Gly)

Gene: MYH7 (myosin heavy chain 7; minus strand). Cytogenetic location: 14q11.2.
Variant type: single nucleotide variant.
Coding change: c.2792A>G on transcript NM_000257.4 (MANE Select); coding-DNA position 2792, A replaced by G.
Protein change: p.Glu931Gly; replaces glutamic acid 931 with glycine.
Molecular consequence: missense variant.
Genome position (GRCh38, 1-based): chr14:23,424,037, T>C on the plus strand (A>G on the coding strand, the complement: MYH7 is on the minus strand). VCF-style: chr14-23424037-T-C. GRCh37 (hg19) VCF-style: chr14-23893246-T-C.
Other names: p.E931G:GAG>GGG; c.2792A>G (LRG_384t1); short protein forms E931G.
Identifiers: ClinVar variation 181206 (VCV000181206.12), dbSNP rs730880760, ClinGen allele CA013097.
Genomic context (GRCh38, chr14:23,424,037, plus strand): 5'-TTGAGCTCTGAGCACTCATCTTCCAGCTTGCGCTTCTTGGCAGTGAGCTCAGCATTCATC[T>C]CCTCCTCATCCTCCAGCCTCTCGTTCATCTCCTTCACCTTGGCCTCCAGCTGAATCTTGT-3'
Protein context (NP_000248.2, residues 921-941): EMNERLEDEE[Glu931Gly]MNAELTAKKR

ClinVar aggregate classification (germline): Conflicting classifications of pathogenicity. Review status: criteria provided, conflicting classifications (1 of 4 stars). 3 submissions from 3 submitters: Pathogenic (1); Likely pathogenic (1); Uncertain significance (1). Last evaluated 2024-06-06.

Conditions:
Cardiovascular phenotype. Identifiers: MedGen CN230736.
Hypertrophic cardiomyopathy. Also called: HYPERTROPHIC MYOCARDIOPATHY. Identifiers: Orphanet 217569, MedGen C0007194, MeSH D002312, MONDO:0005045, HP:0001639.

Allele frequency attached by ClinVar (database versions not stated): gnomAD exomes below 0.00001.
gnomAD v4.1: 1 of 1,614,242 alleles (0.000062%); highest among the groups gnomAD compares: Non-Finnish European, 0.000085%; no homozygotes.

Submissions (3):

Ambry Genetics
Classification: Uncertain significance for Cardiovascular phenotype. Last evaluated: 2024-06-06. Review status: criteria provided, single submitter. Criteria: Ambry Variant Classification Scheme 2023. Collection method: clinical testing. Allele origin: germline.
Comment: The p.E931G variant (also known as c.2792A>G), located in coding exon 21 of the MYH7 gene, results from an A to G substitution at nucleotide position 2792. The glutamic acid at codon 931 is replaced by glycine, an amino acid with similar properties. This alteration is located in the myosin head domain, which contains a statistically significant clustering of pathogenic missense variants (Homburger JR et al. Proc Natl Acad Sci U S A, 2016 06;113:6701-6; Walsh R et al. Genet Med, 2017 02;19:192-203; Ambry internal data). This variant has been reported in hypertrophic cardiomyopathy (HCM) cohorts; however, clinical details were limited (Lopes LR et al. J. Med. Genet., 2013 Apr;50:228-39; Harper AR et al. Nat Genet. 2021 02;53(2):135-142). This amino acid position is highly conserved in available vertebrate species. In addition, this alteration is predicted to be deleterious by in silico analysis. Since supporting evidence is limited at this time, the clinical significance of this alteration remains unclear.

Labcorp Genetics (formerly Invitae), Labcorp
Classification: Likely pathogenic for Hypertrophic cardiomyopathy. Last evaluated: 2024-01-02. Review status: criteria provided, single submitter. Criteria: Invitae Variant Classification Sherloc (09022015). Collection method: clinical testing. Allele origin: germline.
Comment: This sequence change replaces glutamic acid, which is acidic and polar, with glycine, which is neutral and non-polar, at codon 931 of the MYH7 protein (p.Glu931Gly). This variant is not present in population databases (gnomAD no frequency). This missense change has been observed in individual(s) with hypertrophic cardiomyopathy (PMID: 25351510). ClinVar contains an entry for this variant (Variation ID: 181206). Advanced modeling of protein sequence and biophysical properties (such as structural, functional, and spatial information, amino acid conservation, physicochemical variation, residue mobility, and thermodynamic stability) performed at Invitae indicates that this missense variant is expected to disrupt MYH7 protein function with a positive predictive value of 95%. This variant disrupts the p.Glu931 amino acid residue in MYH7. Other variant(s) that disrupt this residue have been determined to be pathogenic (PMID: 15358028; Invitae). This suggests that this residue is clinically significant, and that variants that disrupt this residue are likely to be disease-causing. In summary, the currently available evidence indicates that the variant is pathogenic, but additional data are needed to prove that conclusively. Therefore, this variant has been classified as Likely Pathogenic.

GeneDx
Classification: Pathogenic. Last evaluated: 2013-08-05. Review status: criteria provided, single submitter. Criteria: GeneDx Variant Classification (06012015). Collection method: clinical testing. Allele origin: germline. Affected: yes.
Comment: p.Glu931Gly (GAG>GGG): c.2792 A>G in exon 23 of the MYH7 gene (NM_000257.2). While the Glu931Gly mutation in the MYH7 gene has not been reported to our knowledge, a mutation affecting this same residue, Glu931Lys, has been reported in association with HCM (Van Driest S et al., 2004). Additionally, mutations in nearby residues (Glu930Gln, Glu930Lys, Met932Lys, Glu935Lys) have been reported in association with HCM, further supporting the functional importance of this residue and this region of the protein. Glu931Gly results in a non-conservative amino acid substitution of a negatively charged Glutamic acid with a non-polar Glycine at a position that is conserved across species. In silico analysis predicts Glu931Gly is damaging to the protein structure/function. Furthermore, Glu931Gly was not observed in approximately 6,500 individuals of European and African American ancestry in the NHLBI Exome Sequencing Project, indicating it is not a common benign variant in these populations.In summary, Glu931Gly in the MYH7 gene is interpreted as a likely disease-causing mutation. The variant is found in HCM panel(s).

Literature cited by the submitters: PubMed 15358028 (cited by Ambry Genetics and Labcorp Genetics (formerly Invitae), Labcorp); PubMed 23396983 (cited by Ambry Genetics); PubMed 25351510 (cited by Ambry Genetics and Labcorp Genetics (formerly Invitae), Labcorp); PubMed 27574918 (cited by Ambry Genetics); PubMed 33495597 (cited by Ambry Genetics).